The following is an entry in ClinVar:

ClinVar aggregate classification (germline): Uncertain significance. Review status: criteria provided, multiple submitters, no conflicts (2 of 4 stars). 2 submissions from 2 submitters: Uncertain significance (2). Last evaluated 2026-01-14.

Submissions (2):

Labcorp Genetics (formerly Invitae), Labcorp
Classification: Uncertain significance. Last evaluated: 2026-01-14. Review status: criteria provided, single submitter. Criteria: Invitae Variant Classification Sherloc (09022015). Collection method: clinical testing. Allele origin: germline.
Comment: This variant, c.88_90dup, results in the insertion of 1 amino acid(s) of the RCOR1 protein (p.Ala30dup), but otherwise preserves the integrity of the reading frame. The frequency data for this variant in the population databases is considered unreliable, as metrics indicate poor data quality at this position in the gnomAD database. This variant has not been reported in the literature in individuals affected with RCOR1-related conditions. In summary, the available evidence is currently insufficient to determine the role of this variant in disease. Therefore, it has been classified as a Variant of Uncertain Significance.

Breakthrough Genomics
Classification: Uncertain significance. Review status: criteria provided, single submitter. Criteria: ACMG Guidelines, 2015. Collection method: not provided. Allele origin: germline. Inheritance: Unknown mechanism. Affected: yes.

NM_015156.4(RCOR1):c.79GCC[5] (p.Ala30dup)

Gene: RCOR1 (REST corepressor 1; plus strand). Cytogenetic location: 14q32.31.
Variant type: Microsatellite.
Coding change: c.79GCC[5] on transcript NM_015156.4 (MANE Select); five copies in a row of the 3-base unit GCC starting at c.79; the reference has four copies in a row; one copy, 3 bases duplicated.
Protein change: p.Ala30dup; duplicates alanine 30.
Molecular consequence: inframe insertion.
Genome position (GRCh38, 1-based): chr14:102,592,974-102,592,976, GCC duplicated; duplicating any 3 consecutive bases within chr14:102,592,963-102,592,976 gives the same sequence; the position shown is the placement nearest the transcript's 3' end. VCF-style (leftmost placement, unchanged base first): chr14-102592962-T-TCCG. GRCh37 (hg19) VCF-style: chr14-103059299-T-TCCG.
Identifiers: ClinVar variation 1476816 (VCV001476816.7), dbSNP rs770589339, ClinGen allele CA7358681.